The following is an entry in ClinVar:

ClinVar aggregate classification (germline): Likely benign (1 of 4 stars; one submission).

gnomAD v4.1: 2,892 of 1,213,806 alleles (0.24%); highest among the groups gnomAD compares: Non-Finnish European, 0.27%; 3 homozygotes.

Submission:

CeGaT Center for Human Genetics Tuebingen
Classification: Likely benign. Last evaluated: 2026-02-01. Review status: criteria provided, single submitter. Criteria: CeGaT Center For Human Genetics Tuebingen Variant Classification Criteria Version 2. Collection method: clinical testing. Allele origin: germline. Affected: yes. Observed: 3 variant alleles.
Comment: TAF4: BS1

NM_003185.4(TAF4):c.635C>T (p.Ala212Val)

Gene: TAF4 (TATA-box binding protein associated factor 4; minus strand). Cytogenetic location: 20q13.33.
Variant type: single nucleotide variant.
Coding change: c.635C>T on transcript NM_003185.4 (MANE Select); coding-DNA position 635, C replaced by T.
Protein change: p.Ala212Val; replaces alanine 212 with valine.
Molecular consequence: missense variant.
Genome position (GRCh38, 1-based): chr20:62,065,176, G>A on the plus strand (C>T on the coding strand, the complement: TAF4 is on the minus strand). VCF-style: chr20-62065176-G-A. GRCh37 (hg19) VCF-style: chr20-60640232-G-A.
Other names: short protein forms A212V.
Identifiers: ClinVar variation 3388158 (VCV003388158.14).